The following is an entry in ClinVar:

NM_001042492.3(NF1):c.2168T>C (p.Val723Ala)

Gene: NF1 (neurofibromin 1; plus strand). Cytogenetic location: 17q11.2.
Variant type: single nucleotide variant.
Coding change: c.2168T>C on transcript NM_001042492.3 (MANE Select); coding-DNA position 2168, T replaced by C.
Protein change: p.Val723Ala; replaces valine 723 with alanine.
Molecular consequence: missense variant.
Genome position (GRCh38, 1-based): chr17:31,226,601, T>C. VCF-style: chr17-31226601-T-C. GRCh37 (hg19) VCF-style: chr17-29553619-T-C.
Other names: c.2168T>C, p.Val723Ala (NM_000267.4); short protein forms V723A.
Identifiers: ClinVar variation 4087896 (VCV004087896.1).

ClinVar aggregate classification (germline): Uncertain significance (1 of 4 stars; one submission).

Submission:

GeneDx
Classification: Uncertain significance. Last evaluated: 2025-03-25. Review status: criteria provided, single submitter. Criteria: GeneDx Variant Classification Process June 2021. Collection method: clinical testing. Allele origin: germline. Affected: yes.
Comment: Not observed at significant frequency in large population cohorts (gnomAD); In silico analysis indicates that this missense variant does not alter protein structure/function; Has not been previously published as pathogenic or benign to our knowledge; This variant is associated with the following publications: (PMID: 25486365)